The following is an entry in ClinVar:

ClinVar aggregate classification (germline): Pathogenic. Review status: criteria provided, single submitter (1 of 4 stars). 3 submissions from 3 submitters: Pathogenic (1). 2 of the submissions do not count toward it. Last evaluated 2025-12-19.

Conditions:
Gastric cancer. Also called: Malignant tumor of stomach; Stomach cancer. Identifiers: MedGen C0024623, MeSH D013274, MONDO:0001056, OMIM 613659, HP:0012126.
Hereditary cancer-predisposing syndrome. Also called: Neoplastic Syndromes, Hereditary; Hereditary Cancer Syndrome; Hereditary neoplastic syndrome; Tumor predisposition. Identifiers: Orphanet 140162, MedGen C0027672, MeSH D009386, MONDO:0015356.
Ataxia-telangiectasia syndrome (AT). Also called: LOUIS-BAR SYNDROME; Ataxia-telangiectasia, complementation group E; Ataxia-telangiectasia, complementation group D; AT, COMPLEMENTATION GROUP C; ATAXIA-TELANGIECTASIA, COMPLEMENTATION GROUP A; ATAXIA-TELANGIECTASIA, FRESNO VARIANT. Identifiers: Orphanet 100, MedGen C0004135, MONDO:0008840, OMIM 208900.

Submissions (3):

Ambry Genetics
Classification: Pathogenic for Hereditary cancer-predisposing syndrome. Last evaluated: 2025-12-19. Review status: criteria provided, single submitter. Criteria: Ambry Variant Classification Scheme 2023. Collection method: clinical testing. Allele origin: germline.
Comment: The p.E848* pathogenic mutation (also known as c.2542G>T), located in coding exon 16 of the ATM gene, results from a G to T substitution at nucleotide position 2542. This changes the amino acid from a glutamic acid to a stop codon within coding exon 16. This variant is considered to be rare based on population cohorts in the Genome Aggregation Database (gnomAD). This alteration is expected to result in loss of function by premature protein truncation or nonsense-mediated mRNA decay. As such, this alteration is interpreted as a disease-causing mutation.

Laboratory for Genotyping Development, RIKEN
Classification: Pathogenic for Gastric cancer. Last evaluated: 2021-07-01. Review status: no assertion criteria provided. Collection method: research. Allele origin: germline. Not counted in ClinVar's aggregate classification.

Counsyl
Classification: Likely pathogenic for Ataxia-telangiectasia syndrome. Last evaluated: 2016-04-13. Review status: no assertion criteria provided. Collection method: clinical testing. Allele origin: unknown. Not counted in ClinVar's aggregate classification.

Literature cited by the submitters: PubMed 36988593 (cited by Laboratory for Genotyping Development, RIKEN).

NM_000051.4(ATM):c.2542G>T (p.Glu848Ter)

Gene: ATM (ATM serine/threonine kinase; plus strand). Cytogenetic location: 11q22.3.
Variant type: single nucleotide variant.
Coding change: c.2542G>T on transcript NM_000051.4 (MANE Select); coding-DNA position 2542, G replaced by T.
Protein change: p.Glu848Ter; replaces glutamic acid 848 with a stop codon.
Molecular consequence: nonsense.
Genome position (GRCh38, 1-based): chr11:108,267,246, G>T. VCF-style: chr11-108267246-G-T. GRCh37 (hg19) VCF-style: chr11-108137973-G-T.
Other names: c.2542G>T, p.Glu848Ter (NM_001351834.2); short protein forms E848*.
Identifiers: ClinVar variation 370787 (VCV000370787.21), dbSNP rs879254046, ClinGen allele CA16041393.